The following is an entry in ClinVar:

NM_152703.5(SAMD9L):c.3957G>C (p.Glu1319Asp)

Gene: SAMD9L (sterile alpha motif domain containing 9 like; minus strand). Cytogenetic location: 7q21.2.
Variant type: single nucleotide variant.
Coding change: c.3957G>C on transcript NM_152703.5 (MANE Select); coding-DNA position 3957, G replaced by C.
Protein change: p.Glu1319Asp; replaces glutamic acid 1319 with aspartic acid.
Molecular consequence: missense variant.
Genome position (GRCh38, 1-based): chr7:93,132,015, C>G on the plus strand (G>C on the coding strand, the complement: SAMD9L is on the minus strand). VCF-style: chr7-93132015-C-G. GRCh37 (hg19) VCF-style: chr7-92761328-C-G.
Other names: c.3957G>C, p.Glu1319Asp (NM_001303496.3, NM_001303497.3, NM_001303498.3 and 5 more transcripts); short protein forms E1319D.
Identifiers: ClinVar variation 4159433 (VCV004159433.1).

ClinVar aggregate classification (germline): Uncertain significance (1 of 4 stars; one submission).

Conditions:
Inborn genetic diseases. Identifiers: MedGen C0950123, MeSH D030342.

Submission:

Ambry Genetics
Classification: Uncertain significance for Inborn genetic diseases. Last evaluated: 2025-08-23. Review status: criteria provided, single submitter. Criteria: Ambry Variant Classification Scheme 2023. Collection method: clinical testing. Allele origin: germline.
Comment: The p.E1319D variant (also known as c.3957G>C), located in coding exon 1 of the SAMD9L gene, results from a G to C substitution at nucleotide position 3957. The glutamic acid at codon 1319 is replaced by aspartic acid, an amino acid with highly similar properties. This amino acid position is conserved. In addition, this alteration is predicted to be tolerated by in silico analysis. Based on the available evidence, the clinical significance of this variant remains unclear.